The following is an entry in ClinVar:

NM_001184.4(ATR):c.2477G>A (p.Gly826Glu)

Gene: ATR (ATR serine/threonine kinase; minus strand). Cytogenetic location: 3q23.
Variant type: single nucleotide variant.
Coding change: c.2477G>A on transcript NM_001184.4 (MANE Select); coding-DNA position 2477, G replaced by A.
Protein change: p.Gly826Glu; replaces glycine 826 with glutamic acid.
Molecular consequence: missense variant.
Genome position (GRCh38, 1-based): chr3:142,553,880, C>T on the plus strand (G>A on the coding strand, the complement: ATR is on the minus strand). VCF-style: chr3-142553880-C-T. GRCh37 (hg19) VCF-style: chr3-142272722-C-T.
Other names: c.2285G>A, p.Gly762Glu (NM_001354579.2); short protein forms G826E, G762E.
Identifiers: ClinVar variation 3332138 (VCV003332138.1).

ClinVar aggregate classification (germline): Uncertain significance (1 of 4 stars; one submission).

Conditions:
Inborn genetic diseases. Identifiers: MedGen C0950123, MeSH D030342.

Submission:

Ambry Genetics
Classification: Uncertain significance for Inborn genetic diseases. Last evaluated: 2024-06-09. Review status: criteria provided, single submitter. Criteria: Ambry Variant Classification Scheme 2023. Collection method: clinical testing. Allele origin: germline.
Comment: The p.G826E variant (also known as c.2477G>A), located in coding exon 11 of the ATR gene, results from a G to A substitution at nucleotide position 2477. The glycine at codon 826 is replaced by glutamic acid, an amino acid with similar properties. This amino acid position is conserved. In addition, this alteration is predicted to be tolerated by in silico analysis. Based on the available evidence, the clinical significance of this variant remains unclear.